The following is an entry in ClinVar:

NM_004333.6(BRAF):c.107C>T (p.Ser36Phe)

Gene: BRAF (B-Raf proto-oncogene, serine/threonine kinase; minus strand). Cytogenetic location: 7q34.
Variant type: single nucleotide variant.
Coding change: c.107C>T on transcript NM_004333.6 (MANE Select); coding-DNA position 107, C replaced by T.
Protein change: p.Ser36Phe; replaces serine 36 with phenylalanine.
Molecular consequence: missense variant.
Genome position (GRCh38, 1-based): chr7:140,924,597, G>A on the plus strand (C>T on the coding strand, the complement: BRAF is on the minus strand). VCF-style: chr7-140924597-G-A. GRCh37 (hg19) VCF-style: chr7-140624397-G-A.
Other names: c.107C>T, p.Ser36Phe (NM_001354609.2, NM_001374244.1, NM_001374258.1 and 7 more transcripts); short protein forms S36F.
Identifiers: ClinVar variation 280661 (VCV000280661.5), dbSNP rs886041827, ClinGen allele CA10603031.
Genomic context (GRCh38, chr7:140,924,597, plus strand): 5'-GAGGGCGGCAGGGTGGCGCCAGCACTCACCTCCTCCGGAATGGCAGGGTCCGCAGCCGAA[G>A]AGGCCGCGGCGCCGGCGCCGGCGCCGGCCTCGGGCTCCATGTCCCCGTTGAACAGAGCCT-3'
Protein context (NP_004324.2, residues 26-46): EAGAGAGAAA[Ser36Phe]SAADPAIPEE

ClinVar aggregate classification (germline): Uncertain significance. Review status: criteria provided, multiple submitters, no conflicts (2 of 4 stars). 2 submissions from 2 submitters: Uncertain significance (2). Last evaluated 2024-02-23.

Conditions:
RASopathy. Also called: rasopathies; Noonan spectrum disorder. Identifiers: Orphanet 536391, MedGen C5555857, MONDO:0021060.

Allele frequency attached by ClinVar (database versions not stated): gnomAD exomes 0.00001.
gnomAD v4.1: 1 of 1,529,962 alleles (0.000065%); highest among the groups gnomAD compares: South Asian, 0.0012%; no homozygotes.

Submissions (2):

Labcorp Genetics (formerly Invitae), Labcorp
Classification: Uncertain significance for RASopathy. Last evaluated: 2024-02-23. Review status: criteria provided, single submitter. Criteria: Invitae Variant Classification Sherloc (09022015). Collection method: clinical testing. Allele origin: germline.
Comment: This sequence change replaces serine, which is neutral and polar, with phenylalanine, which is neutral and non-polar, at codon 36 of the BRAF protein (p.Ser36Phe). This variant is present in population databases (no rsID available, gnomAD no frequency). This variant has not been reported in the literature in individuals affected with BRAF-related conditions. ClinVar contains an entry for this variant (Variation ID: 280661). Advanced modeling of protein sequence and biophysical properties (such as structural, functional, and spatial information, amino acid conservation, physicochemical variation, residue mobility, and thermodynamic stability) performed at Invitae indicates that this missense variant is expected to disrupt BRAF protein function with a positive predictive value of 95%. In summary, the available evidence is currently insufficient to determine the role of this variant in disease. Therefore, it has been classified as a Variant of Uncertain Significance.

GeneDx
Classification: Uncertain significance. Last evaluated: 2016-06-22. Review status: criteria provided, single submitter. Criteria: GeneDx Variant Classification (06012015). Collection method: clinical testing. Allele origin: germline. Affected: yes.
Comment: The S36F variant has not been published as a pathogenic variant, nor has it been reported as a benign variant to our knowledge. The variant was not observed in approximately 3,200 individuals of European and African American ancestry in the NHLBI Exome Sequencing Project, indicating it is not a common benign variant in these populations. However, the sequencing region of the BRAF gene where S36F is located has low coverage in the Exome Sequencing Project. S36F is a non-conservative amino acid substitution, which is likely to impact secondary protein structure as these residues differ in polarity, charge, size and/or other properties. This substitution occurs at a position that is conserved in mammals; however, in silico analysis is inconsistent in its predictions as to whether or not the variant is damaging to the protein structure/function. Therefore, based on the currently available information, it is unclear whether this variant is a pathogenic variant or a rare benign variant.